The following is an entry in ClinVar:

NM_018975.4(TERF2IP):c.110C>T (p.Pro37Leu)

Gene: TERF2IP (TERF2 interacting protein; plus strand). Cytogenetic location: 16q23.1.
Variant type: single nucleotide variant.
Coding change: c.110C>T on transcript NM_018975.4 (MANE Select); coding-DNA position 110, C replaced by T.
Protein change: p.Pro37Leu; replaces proline 37 with leucine.
Molecular consequence: missense variant. On other transcripts: non-coding transcript variant (1).
Genome position (GRCh38, 1-based): chr16:75,647,992, C>T. VCF-style: chr16-75647992-C-T. GRCh37 (hg19) VCF-style: chr16-75681890-C-T.
Other names: short protein forms P37L.
Identifiers: ClinVar variation 1794724 (VCV001794724.2), dbSNP rs554641599, ClinGen allele CA8177936.
Genomic context (GRCh38, chr16:75,647,992, plus strand): 5'-CCTCGACTCTGTTCGTGAGGGACGACGGCAGCTCCATGTCCTTCTACGTGCGGCCCAGCC[C>T]GGCCAAGCGTCGGCTGTCGACGCTCATCCTGCACGGCGGCGGCACCGTGTGCCGAGTGCA-3'
Protein context (NP_061848.2, residues 27-47): SSMSFYVRPS[Pro37Leu]AKRRLSTLIL

ClinVar aggregate classification (germline): Uncertain significance (1 of 4 stars; one submission).

Allele frequency attached by ClinVar (database versions not stated): gnomAD exomes below 0.00001; TOPMed 0.00001.
gnomAD v4.1: 3 of 1,613,554 alleles (0.00019%); highest among the groups gnomAD compares: African/African-American, 0.0013%; no homozygotes.

Submission:

Ambry Genetics
Classification: Uncertain significance. Last evaluated: 2023-12-17. Review status: criteria provided, single submitter. Criteria: Ambry Variant Classification Scheme 2023. Collection method: clinical testing. Allele origin: germline.
Comment: The p.P37L variant (also known as c.110C>T), located in coding exon 1 of the TERF2IP gene, results from a C to T substitution at nucleotide position 110. The proline at codon 37 is replaced by leucine, an amino acid with similar properties. This amino acid position is conserved. In addition, the in silico prediction for this alteration is inconclusive. Since supporting evidence is limited at this time, the clinical significance of this alteration remains unclear.